The following is an entry in ClinVar:

ClinVar aggregate classification (germline): Uncertain significance (1 of 4 stars; one submission).

Allele frequency attached by ClinVar (database versions not stated): gnomAD 0.00001; gnomAD exomes 0.00001 and 0.00002; TOPMed 0.00001; ExAC 0.00002; ESP Exome Variant Server 0.00008; 1000 Genomes Project 0.00020; 1000 Genomes Project 30x 0.00031.
gnomAD v4.1: 15 of 1,613,012 alleles (0.00093%); highest among the groups gnomAD compares: African/African-American, 0.0053%; no homozygotes.

Submission:

Labcorp Genetics (formerly Invitae), Labcorp
Classification: Uncertain significance. Last evaluated: 2021-08-27. Review status: criteria provided, single submitter. Criteria: Invitae Variant Classification Sherloc (09022015). Collection method: clinical testing. Allele origin: germline.
Comment: This sequence change replaces proline with leucine at codon 199 of the LAMC3 protein (p.Pro199Leu). The proline residue is highly conserved and there is a moderate physicochemical difference between proline and leucine. This variant is present in population databases (rs150291823, ExAC 0.01%). This variant has not been reported in the literature in individuals affected with LAMC3-related conditions. Algorithms developed to predict the effect of missense changes on protein structure and function (SIFT, PolyPhen-2, Align-GVGD) all suggest that this variant is likely to be disruptive. In summary, the available evidence is currently insufficient to determine the role of this variant in disease. Therefore, it has been classified as a Variant of Uncertain Significance.

NM_006059.4(LAMC3):c.596C>T (p.Pro199Leu)

Gene: LAMC3 (laminin subunit gamma 3; plus strand). Cytogenetic location: 9q34.12.
Variant type: single nucleotide variant.
Coding change: c.596C>T on transcript NM_006059.4 (MANE Select); coding-DNA position 596, C replaced by T.
Protein change: p.Pro199Leu; replaces proline 199 with leucine.
Molecular consequence: missense variant.
Genome position (GRCh38, 1-based): chr9:131,026,507, C>T. VCF-style: chr9-131026507-C-T. GRCh37 (hg19) VCF-style: chr9-133901894-C-T.
Other names: short protein forms P199L.
Identifiers: ClinVar variation 1448967 (VCV001448967.5), dbSNP rs150291823, ClinGen allele CA5286739.
Genomic context (GRCh38, chr9:131,026,507, plus strand): 5'-TGCGCCCCGGCGAGGACGAGCGCGTGGCCTTCTGCACCTCTGAGTTCAGCGACATCTCCC[C>T]GCTGAGTGGCGGCAACGTGGCCTTCTCCACCCTGGAGGGCCGGCCCAGCGCCTACAACTT-3'
Protein context (NP_006050.3, residues 189-209): FCTSEFSDIS[Pro199Leu]LSGGNVAFST